The following is an entry in ClinVar:

ClinVar aggregate classification (germline): Uncertain significance (1 of 4 stars; one submission).

Conditions:
Cutis laxa, X-linked (OHS). Also called: EDS IX; Occipital horn syndrome. Identifiers: Orphanet 198, MedGen C0268353, MONDO:0010572, OMIM 304150.
X-linked distal spinal muscular atrophy type 3. Also called: SPINAL MUSCULAR ATROPHY, DISTAL, X-LINKED RECESSIVE; ATP7A-Related Distal Motor Neuropathy; NEURONOPATHY, DISTAL HEREDITARY MOTOR, X-LINKED; NEUROPATHY, DISTAL HEREDITARY MOTOR, X-LINKED. Identifiers: Orphanet 139557, MedGen C1845359, MONDO:0010338, OMIM 300489.
Menkes kinky-hair syndrome (MNK). Also called: Copper transport disease; Classic Menkes Disease; Menkes Disease. Identifiers: Orphanet 565, MedGen C0022716, MONDO:0010651, OMIM 309400.

gnomAD v4.1: 2 of 1,210,017 alleles (0.00017%); highest among the groups gnomAD compares: South Asian, 0.0018%; no homozygotes.

Submission:

Labcorp Genetics (formerly Invitae), Labcorp
Classification: Uncertain significance for X-linked distal spinal muscular atrophy type 3; Cutis laxa, X-linked; Menkes kinky-hair syndrome. Last evaluated: 2023-10-09. Review status: criteria provided, single submitter. Criteria: Invitae Variant Classification Sherloc (09022015). Collection method: clinical testing. Allele origin: germline.
Comment: This sequence change replaces aspartic acid, which is acidic and polar, with asparagine, which is neutral and polar, at codon 1139 of the ATP7A protein (p.Asp1139Asn). This variant is not present in population databases (gnomAD no frequency). This variant has not been reported in the literature in individuals affected with ATP7A-related conditions. ClinVar contains an entry for this variant (Variation ID: 1361719). Advanced modeling of protein sequence and biophysical properties (such as structural, functional, and spatial information, amino acid conservation, physicochemical variation, residue mobility, and thermodynamic stability) performed at Invitae indicates that this missense variant is not expected to disrupt ATP7A protein function. In summary, the available evidence is currently insufficient to determine the role of this variant in disease. Therefore, it has been classified as a Variant of Uncertain Significance.

NM_000052.7(ATP7A):c.3415G>A (p.Asp1139Asn)

Gene: ATP7A (ATPase copper transporting alpha; plus strand). Cytogenetic location: Xq21.1.
Variant type: single nucleotide variant.
Coding change: c.3415G>A on transcript NM_000052.7 (MANE Select); coding-DNA position 3415, G replaced by A.
Protein change: p.Asp1139Asn; replaces aspartic acid 1139 with asparagine.
Molecular consequence: missense variant. On other transcripts: non-coding transcript variant (1).
Genome position (GRCh38, 1-based): chrX:78,033,725, G>A. VCF-style: chrX-78033725-G-A. GRCh37 (hg19) VCF-style: chrX-77289223-G-A.
Other names: c.3181G>A, p.Asp1061Asn (NM_001282224.2); short protein forms D1061N, D1139N.
Identifiers: ClinVar variation 1361719 (VCV001361719.8), dbSNP rs2149107203, ClinGen allele CA413604110.